The following is an entry in ClinVar:

ClinVar aggregate classification (germline): Pathogenic (1 of 4 stars; one submission).

Submission:

Labcorp Genetics (formerly Invitae), Labcorp
Classification: Pathogenic. Last evaluated: 2023-08-11. Review status: criteria provided, single submitter. Criteria: Invitae Variant Classification Sherloc (09022015). Collection method: clinical testing. Allele origin: unknown.
Comment: This variant is a gross deletion of the genomic region encompassing exon(s) 15-16 of the MME gene. This deletion is out-of-frame, and is expected to create a premature termination codon and result in an absent or disrupted protein product. Loss-of-function variants in MME are known to be pathogenic (PMID: 26991897). This variant has not been reported in the literature in individuals affected with MME-related conditions. For these reasons, this variant has been classified as Pathogenic.

Literature cited by the submitters: PubMed 26991897.

NC_000003.11:g.(?_154864930)_(154876652_?)del

Gene: MME (membrane metalloendopeptidase; plus strand). Cytogenetic location: 3q25.2.
Variant type: Deletion.
Identifiers: ClinVar variation 3247006 (VCV003247006.1).